The following is an entry in ClinVar:

ClinVar aggregate classification (germline): Pathogenic (1 of 4 stars; one submission).

Allele frequency attached by ClinVar (database versions not stated): gnomAD exomes below 0.00001; TOPMed below 0.00001; gnomAD 0.00001.
gnomAD v4.1: 7 of 1,604,448 alleles (0.00044%); highest among the groups gnomAD compares: Non-Finnish European, 0.00059%; no homozygotes.

Submission:

Labcorp Genetics (formerly Invitae), Labcorp
Classification: Pathogenic. Last evaluated: 2024-04-22. Review status: criteria provided, single submitter. Criteria: Invitae Variant Classification Sherloc (09022015). Collection method: clinical testing. Allele origin: germline.
Comment: This sequence change creates a premature translational stop signal (p.Gly677*) in the VPS13C gene. It is expected to result in an absent or disrupted protein product. Loss-of-function variants in VPS13C are known to be pathogenic (PMID: 26942284, 34875562). This variant is not present in population databases (gnomAD no frequency). This variant has not been reported in the literature in individuals affected with VPS13C-related conditions. ClinVar contains an entry for this variant (Variation ID: 1450734). Algorithms developed to predict the effect of sequence changes on RNA splicing suggest that this variant may disrupt the consensus splice site. For these reasons, this variant has been classified as Pathogenic.

Literature cited by the submitters: PubMed 26942284; PubMed 34875562.

NM_020821.3(VPS13C):c.2029G>T (p.Gly677Ter)

Gene: VPS13C (vacuolar protein sorting 13 homolog C; minus strand). Cytogenetic location: 15q22.2.
Variant type: single nucleotide variant.
Coding change: c.2029G>T on transcript NM_020821.3 (MANE Select); coding-DNA position 2029, G replaced by T.
Protein change: p.Gly677Ter; replaces glycine 677 with a stop codon.
Molecular consequence: nonsense.
Genome position (GRCh38, 1-based): chr15:61,982,459, C>A on the plus strand (G>T on the coding strand, the complement: VPS13C is on the minus strand). VCF-style: chr15-61982459-C-A. GRCh37 (hg19) VCF-style: chr15-62274658-C-A.
Other names: c.2029G>T, p.Gly677Ter (NM_001018088.3); c.1900G>T, p.Gly634Ter (NM_017684.5, NM_018080.4); short protein forms G677*, G634*.
Identifiers: ClinVar variation 1450734 (VCV001450734.6), dbSNP rs2045915658, ClinGen allele CA392680814.